The following is an entry in ClinVar:

ClinVar aggregate classification (germline): Uncertain significance (1 of 4 stars; one submission).

Submission:

GeneDx
Classification: Uncertain significance. Last evaluated: 2025-08-14. Review status: criteria provided, single submitter. Criteria: GeneDx Variant Classification Process June 2021. Collection method: clinical testing. Allele origin: germline. Affected: yes.
Comment: Has not been previously published as pathogenic or benign to our knowledge; Not observed at significant frequency in large population cohorts (gnomAD); In silico analysis supports that this missense variant has a deleterious effect on protein structure/function

NM_001127464.1:c.9530G>A

Gene: ZNF469 (zinc finger protein 469; plus strand).
Variant type: single nucleotide variant.
Identifiers: ClinVar variation 4795436 (VCV004795436.1).